The following is an entry in ClinVar:

ClinVar aggregate classification (germline): Pathogenic (1 of 4 stars; one submission).

Conditions:
Congenital hyperammonemia, type I. Also called: CPS I DEFICIENCY; Carbamoyl phosphate synthetase 1 deficiency; Hyperammonemia due to carbamoyl phosphate synthetase 1 deficiency; CPS 1 deficiency; Carbamyl phosphate synthetase (CPS) deficiency; Carbamoyl phosphate synthetase I deficiency disease. Identifiers: Orphanet 147, MedGen C4082171, MONDO:0009376, OMIM 237300.

Submission:

Labcorp Genetics (formerly Invitae), Labcorp
Classification: Pathogenic for Congenital hyperammonemia, type I. Last evaluated: 2023-10-05. Review status: criteria provided, single submitter. Criteria: Invitae Variant Classification Sherloc (09022015). Collection method: clinical testing. Allele origin: germline.
Comment: This sequence change creates a premature translational stop signal (p.Asn649*) in the CPS1 gene. It is expected to result in an absent or disrupted protein product. Loss-of-function variants in CPS1 are known to be pathogenic (PMID: 21120950). This variant is not present in population databases (gnomAD no frequency). This variant has not been reported in the literature in individuals affected with CPS1-related conditions. For these reasons, this variant has been classified as Pathogenic.

Literature cited by the submitters: PubMed 21120950.

NM_001875.5(CPS1):c.1944dup (p.Asn649Ter)

Gene: CPS1 (carbamoyl-phosphate synthase 1; plus strand). Cytogenetic location: 2q34.
Variant type: Duplication.
Coding change: c.1944dup on transcript NM_001875.5 (MANE Select); coding-DNA position 1944, one base duplicated (T; older notation c.1944dupT).
Protein change: p.Asn649Ter; replaces asparagine 649 with a stop codon.
Molecular consequence: nonsense. On other transcripts: non-coding transcript variant (2).
Genome position (GRCh38, 1-based): chr2:210,605,209, T duplicated. VCF-style (leftmost placement, unchanged base first): chr2-210605208-G-GT. GRCh37 (hg19) VCF-style: chr2-211469932-G-GT.
Other names: c.1944dup, p.Asn649Ter (NM_001122633.3, NM_001369257.1); c.1977dup, p.Asn660Ter (NM_001369256.1); short protein forms N649*, N660*.
Identifiers: ClinVar variation 2765793 (VCV002765793.3), dbSNP rs2469163948, ClinGen allele CA2697550358.
Genomic context (GRCh38, chr2:210,605,208, plus strand): 5'-GTTGGAAAGAAATAGAATATGAAGTGGTTCGAGATGCTGATGACAATTGTGTCACTGTCT[G>GT]TAACATGGAAAATGTTGATGCCATGGGTGTTCACACAGGTAGGCAAAGTATCTTCAAGAA-3'